The following is an entry in ClinVar:

ClinVar aggregate classification (germline): Uncertain significance. Review status: criteria provided, multiple submitters, no conflicts (2 of 4 stars). 2 submissions from 2 submitters: Uncertain significance (2). Last evaluated 2026-07-13.

Conditions:
Hereditary cancer-predisposing syndrome. Also called: Tumor predisposition; Hereditary Cancer Syndrome; Hereditary neoplastic syndrome; Neoplastic Syndromes, Hereditary. Identifiers: Orphanet 140162, MedGen C0027672, MeSH D009386, MONDO:0015356.

Allele frequency attached by ClinVar (database versions not stated): gnomAD exomes below 0.00001.
gnomAD v4.1: 1 of 1,614,092 alleles (0.000062%); highest among the groups gnomAD compares: Non-Finnish European, 0.000085%; no homozygotes.

Submissions (2):

Ambry Genetics
Classification: Uncertain significance for Hereditary cancer-predisposing syndrome. Last evaluated: 2026-07-13. Review status: criteria provided, single submitter. Criteria: Ambry Variant Classification Scheme 2023. Collection method: clinical testing. Allele origin: germline.
Comment: The p.H203P variant (also known as c.608A>C), located in coding exon 5 of the CTNNA1 gene, results from an A to C substitution at nucleotide position 608. The histidine at codon 203 is replaced by proline, an amino acid with similar properties. This amino acid position is conserved. In addition, the in silico prediction for this alteration is inconclusive. Based on the available evidence, the clinical significance of this variant remains unclear.

Labcorp Genetics (formerly Invitae), Labcorp
Classification: Uncertain significance. Last evaluated: 2024-06-24. Review status: criteria provided, single submitter. Criteria: Invitae Variant Classification Sherloc (09022015). Collection method: clinical testing. Allele origin: germline.
Comment: This sequence change replaces histidine, which is basic and polar, with proline, which is neutral and non-polar, at codon 203 of the CTNNA1 protein (p.His203Pro). This variant is not present in population databases (gnomAD no frequency). This variant has not been reported in the literature in individuals affected with CTNNA1-related conditions. ClinVar contains an entry for this variant (Variation ID: 1016688). Advanced modeling of protein sequence and biophysical properties (such as structural, functional, and spatial information, amino acid conservation, physicochemical variation, residue mobility, and thermodynamic stability) performed at Invitae indicates that this missense variant is not expected to disrupt CTNNA1 protein function with a negative predictive value of 80%. In summary, the available evidence is currently insufficient to determine the role of this variant in disease. Therefore, it has been classified as a Variant of Uncertain Significance.

NM_001903.5(CTNNA1):c.608A>C (p.His203Pro)

Gene: CTNNA1 (catenin alpha 1; plus strand). Cytogenetic location: 5q31.2.
Variant type: single nucleotide variant.
Coding change: c.608A>C on transcript NM_001903.5 (MANE Select); coding-DNA position 608, A replaced by C.
Protein change: p.His203Pro; replaces histidine 203 with proline.
Molecular consequence: missense variant.
Genome position (GRCh38, 1-based): chr5:138,824,549, A>C. VCF-style: chr5-138824549-A-C. GRCh37 (hg19) VCF-style: chr5-138160238-A-C.
Other names: c.608A>C, p.His203Pro (NM_001290307.3, NM_001323982.2, NM_001323983.1 and 3 more transcripts); c.299A>C, p.His100Pro (NM_001290309.3); c.239A>C, p.His80Pro (NM_001290310.3); c.608A>C (NM_001903.2); short protein forms H100P, H203P, H80P.
Identifiers: ClinVar variation 1016688 (VCV001016688.9), dbSNP rs1760440516, ClinGen allele CA361129429.
Genomic context (GRCh38, chr5:138,824,549, plus strand): 5'-ATAAAGAGTGCTCCAATTTCTTGTTTTATTTACTCTTGTAGGAATTGAAAGATGTTGGCC[A>C]TCGTGATCAGATGGCTGCAGCTAGAGGAATCCTGCAGAAGAACGTTCCGATCCTCTATAC-3'
Protein context (NP_001894.2, residues 193-213): KRQQELKDVG[His203Pro]RDQMAAARGI